The following is an entry in ClinVar:

NM_001283009.2(RTEL1):c.1348+4C>T

Genes: RTEL1 (regulator of telomere elongation helicase 1; plus strand), RTEL1-TNFRSF6B (RTEL1-TNFRSF6B readthrough (NMD candidate); plus strand). Cytogenetic location: 20q13.33.
Variant type: single nucleotide variant.
Coding change: c.1348+4C>T on transcript NM_001283009.2 (MANE Select); 4 bases into the intron after coding-DNA position 1348, C replaced by T.
Molecular consequence: intron variant.
Genome position (GRCh38, 1-based): chr20:63,685,876, C>T. VCF-style: chr20-63685876-C-T. GRCh37 (hg19) VCF-style: chr20-62317229-C-T.
Other names: c.679+4C>T (NM_001283010.1); c.1420+4C>T (NM_032957.5); c.1348+4C>T (NM_016434.4).
Identifiers: ClinVar variation 2936650 (VCV002936650.3), dbSNP rs2517099136, ClinGen allele CA2577456428.

ClinVar aggregate classification (germline): Uncertain significance (1 of 4 stars; one submission).

Conditions:
Dyskeratosis congenita, autosomal recessive 5 (DKCB5). Identifiers: MedGen C3554656, MONDO:0014076, OMIM 615190.
Pulmonary fibrosis and/or bone marrow failure, Telomere-related, 3. Also called: PULMONARY FIBROSIS AND/OR BONE MARROW FAILURE SYNDROME, TELOMERE-RELATED, 3. Identifiers: Orphanet 2032, MedGen C4225346, MONDO:0014613, OMIM 616373.

Allele frequency attached by ClinVar (database versions not stated): gnomAD exomes below 0.00001.
gnomAD v4.1: 1 of 1,612,064 alleles (0.000062%); highest among the groups gnomAD compares: Non-Finnish European, 0.000085%; no homozygotes.

Submission:

Labcorp Genetics (formerly Invitae), Labcorp
Classification: Uncertain significance for Dyskeratosis congenita, autosomal recessive 5; Pulmonary fibrosis and/or bone marrow failure, Telomere-related, 3. Last evaluated: 2024-06-21. Review status: criteria provided, single submitter. Criteria: Invitae Variant Classification Sherloc (09022015). Collection method: clinical testing. Allele origin: germline.
Comment: This sequence change falls in intron 16 of the RTEL1 gene. It does not directly change the encoded amino acid sequence of the RTEL1 protein. It affects a nucleotide within the consensus splice site. This variant is not present in population databases (gnomAD no frequency). This variant has not been reported in the literature in individuals affected with RTEL1-related conditions. Variants that disrupt the consensus splice site are a relatively common cause of aberrant splicing (PMID: 17576681, 9536098). Algorithms developed to predict the effect of sequence changes on RNA splicing suggest that this variant is not likely to affect RNA splicing. In summary, the available evidence is currently insufficient to determine the role of this variant in disease. Therefore, it has been classified as a Variant of Uncertain Significance.

Literature cited by the submitters: PubMed 17576681; PubMed 9536098.